The following is an entry in ClinVar:

ClinVar aggregate classification (germline): Uncertain significance (1 of 4 stars; one submission).

Conditions:
Familial acute necrotizing encephalopathy (IIAE3). Also called: Susceptibility to Acute Necrotizing Encephalopathy 1; ENCEPHALOPATHY, ACUTE, INFECTION-INDUCED, SUSCEPTIBILITY TO, 3. Identifiers: Orphanet 88619, MedGen C2675556, MONDO:0011953, OMIM 608033.

Allele frequency attached by ClinVar (database versions not stated): gnomAD exomes 0.00001; ExAC 0.00002; TOPMed 0.00005; gnomAD 0.00006.
gnomAD v4.1: 24 of 1,613,922 alleles (0.0015%); highest among the groups gnomAD compares: Admixed American, 0.0067%; no homozygotes.

Submission:

Labcorp Genetics (formerly Invitae), Labcorp
Classification: Uncertain significance for Familial acute necrotizing encephalopathy. Last evaluated: 2018-11-20. Review status: criteria provided, single submitter. Criteria: Invitae Variant Classification Sherloc (09022015). Collection method: clinical testing. Allele origin: germline.
Comment: This sequence change replaces aspartic acid with asparagine at codon 1406 of the RANBP2 protein (p.Asp1406Asn). The aspartic acid residue is highly conserved and there is a small physicochemical difference between aspartic acid and asparagine. This variant is present in population databases (rs777082127, ExAC 0.01%). This variant has not been reported in the literature in individuals with RANBP2-related disease. Algorithms developed to predict the effect of missense changes on protein structure and function are either unavailable or do not agree on the potential impact of this missense change (SIFT: "Deleterious"; PolyPhen-2: "Benign"; Align-GVGD: "Class C0"). In summary, the available evidence is currently insufficient to determine the role of this variant in disease. Therefore, it has been classified as a Variant of Uncertain Significance.

NM_006267.5(RANBP2):c.4216G>A (p.Asp1406Asn)

Gene: RANBP2 (RAN binding protein 2; plus strand). Cytogenetic location: 2q13.
Variant type: single nucleotide variant.
Coding change: c.4216G>A on transcript NM_006267.5 (MANE Select); coding-DNA position 4216, G replaced by A.
Protein change: p.Asp1406Asn; replaces aspartic acid 1406 with asparagine.
Molecular consequence: missense variant.
Genome position (GRCh38, 1-based): chr2:108,764,755, G>A. VCF-style: chr2-108764755-G-A. GRCh37 (hg19) VCF-style: chr2-109381211-G-A.
Other names: short protein forms D1406N.
Identifiers: ClinVar variation 660246 (VCV000660246.9), dbSNP rs777082127, ClinGen allele CA1823066.